The following is an entry in ClinVar:

ClinVar aggregate classification (germline): Pathogenic (1 of 4 stars; one submission).

Conditions:
Charcot-Marie-Tooth disease axonal type 2V. Also called: CHARCOT-MARIE-TOOTH NEUROPATHY, TYPE 2V; CHARCOT-MARIE-TOOTH DISEASE, AXONAL, AUTOSOMAL DOMINANT, TYPE 2V. Identifiers: Orphanet 447964, MedGen C5569050, MONDO:0014665, OMIM 616491.
Mucopolysaccharidosis, MPS-III-B (MPS3B). Also called: N-ACETYL-ALPHA-D-GLUCOSAMINIDASE DEFICIENCY; NAGLU DEFICIENCY; SANFILIPPO SYNDROME B; MPS III B; MUCOPOLYSACCHARIDOSIS, TYPE IIIB; MPS IIIB (Sanfilippo Syndrome Type B). Identifiers: Orphanet 79270, MedGen C0086648, MONDO:0009656, OMIM 252920.

Submission:

Labcorp Genetics (formerly Invitae), Labcorp
Classification: Pathogenic for Charcot-Marie-Tooth disease axonal type 2V; Mucopolysaccharidosis, MPS-III-B. Last evaluated: 2022-05-08. Review status: criteria provided, single submitter. Criteria: Invitae Variant Classification Sherloc (09022015). Collection method: clinical testing. Allele origin: germline.
Comment: This variant is not present in population databases (gnomAD no frequency). This premature translational stop signal has been observed in individual(s) with mucopolysaccharidosis type III (PMID: 27590925). This variant disrupts a region of the NAGLU protein in which other variant(s) (p.Gln706*) have been determined to be pathogenic (PMID: 9443875, 29661560). This suggests that this is a clinically significant region of the protein, and that variants that disrupt it are likely to be disease-causing. For these reasons, this variant has been classified as Pathogenic. This sequence change creates a premature translational stop signal (p.Gln566*) in the NAGLU gene. While this is not anticipated to result in nonsense mediated decay, it is expected to disrupt the last 178 amino acid(s) of the NAGLU protein.

Literature cited by the submitters: PubMed 27590925; PubMed 9443875; PubMed 29661560.

NM_000263.4(NAGLU):c.1696C>T (p.Gln566Ter)

Gene: NAGLU (N-acetyl-alpha-glucosaminidase; plus strand). Cytogenetic location: 17q21.2.
Variant type: single nucleotide variant.
Coding change: c.1696C>T on transcript NM_000263.4 (MANE Select); coding-DNA position 1696, C replaced by T.
Protein change: p.Gln566Ter; replaces glutamine 566 with a stop codon.
Molecular consequence: nonsense.
Genome position (GRCh38, 1-based): chr17:42,543,702, C>T. VCF-style: chr17-42543702-C-T. GRCh37 (hg19) VCF-style: chr17-40695720-C-T.
Other names: short protein forms Q566*.
Identifiers: ClinVar variation 2122601 (VCV002122601.4), dbSNP rs2510660141, ClinGen allele CA399604508.